The following is an entry in ClinVar:

NM_001326411.2(PISD):c.140G>A (p.Arg47His)

Gene: PISD (phosphatidylserine decarboxylase; minus strand). Cytogenetic location: 22q12.2.
Variant type: single nucleotide variant.
Coding change: c.140G>A on transcript NM_001326411.2 (MANE Select); coding-DNA position 140, G replaced by A.
Protein change: p.Arg47His; replaces arginine 47 with histidine.
Molecular consequence: missense variant. On other transcripts: 5 prime UTR variant (4), intron variant (4).
Genome position (GRCh38, 1-based): chr22:31,650,704, C>T on the plus strand (G>A on the coding strand, the complement: PISD is on the minus strand). VCF-style: chr22-31650704-C-T. GRCh37 (hg19) VCF-style: chr22-32046690-C-T.
Other names: c.140G>A, p.Arg47His (NM_001326412.1, NM_001326421.1); c.-90G>A (NM_001326414.2); c.-492G>A (NM_001326416.2); c.-383G>A (NM_001326417.2, NM_001326419.2); c.-35-2428G>A (NM_001326420.2, NM_001326418.2); c.-84-2428G>A (NM_001326413.2); c.-377-2428G>A (NM_001326415.2); short protein forms R47H.
Identifiers: ClinVar variation 1896501 (VCV001896501.4), dbSNP rs537781569, ClinGen allele CA10195009.

ClinVar aggregate classification (germline): Uncertain significance (1 of 4 stars; one submission).

gnomAD v4.1: 51 of 1,545,530 alleles (0.0033%); highest among the groups gnomAD compares: Admixed American, 0.0098%; no homozygotes.

Submission:

Labcorp Genetics (formerly Invitae), Labcorp
Classification: Uncertain significance. Last evaluated: 2023-02-18. Review status: criteria provided, single submitter. Criteria: Invitae Variant Classification Sherloc (09022015). Collection method: clinical testing. Allele origin: germline.
Comment: In summary, the available evidence is currently insufficient to determine the role of this variant in disease. Therefore, it has been classified as a Variant of Uncertain Significance. An algorithm developed to predict the effect of missense changes on protein structure and function (PolyPhen-2) suggests that this variant¬† is likely to be tolerated. This variant has not been reported in the literature in individuals affected with PISD-related conditions. This variant is present in population databases (rs537781569, gnomAD 0.01%). This sequence change replaces arginine, which is basic and polar, with histidine, which is basic and polar, at codon 47 of the PISD protein (p.Arg47His).